The following is an entry in ClinVar:

ClinVar aggregate classification (germline): Uncertain significance (1 of 4 stars; one submission).

gnomAD v4.1: 2 of 1,613,394 alleles (0.00012%); highest among the groups gnomAD compares: Non-Finnish European, 0.00017%; no homozygotes.

Submission:

Labcorp Genetics (formerly Invitae), Labcorp
Classification: Uncertain significance. Last evaluated: 2025-10-13. Review status: criteria provided, single submitter. Criteria: Invitae Variant Classification Sherloc (09022015). Collection method: clinical testing. Allele origin: germline.
Comment: This sequence change replaces valine, which is neutral and non-polar, with alanine, which is neutral and non-polar, at codon 881 of the C6 protein (p.Val881Ala). This variant is not present in population databases (gnomAD no frequency). This variant has not been reported in the literature in individuals affected with C6-related conditions. ClinVar contains an entry for this variant (Variation ID: 2074847). An algorithm developed to predict the effect of missense changes on protein structure and function (PolyPhen-2) suggests that this variant is likely to be tolerated. In summary, the available evidence is currently insufficient to determine the role of this variant in disease. Therefore, it has been classified as a Variant of Uncertain Significance.

NM_000065.5(C6):c.2642T>C (p.Val881Ala)

Gene: C6 (complement C6; minus strand). Cytogenetic location: 5p13.1.
Variant type: single nucleotide variant.
Coding change: c.2642T>C on transcript NM_000065.5 (MANE Select); coding-DNA position 2642, T replaced by C.
Protein change: p.Val881Ala; replaces valine 881 with alanine.
Molecular consequence: missense variant.
Genome position (GRCh38, 1-based): chr5:41,142,988, A>G on the plus strand (T>C on the coding strand, the complement: C6 is on the minus strand). VCF-style: chr5-41142988-A-G. GRCh37 (hg19) VCF-style: chr5-41143090-A-G.
Other names: c.2642T>C, p.Val881Ala (NM_001115131.4); short protein forms V881A.
Identifiers: ClinVar variation 2074847 (VCV002074847.3), dbSNP rs2478051303, ClinGen allele CA359592194.